The following is an entry in ClinVar:

NM_021830.5(TWNK):c.1092C>G (p.His364Gln)

Gene: TWNK (twinkle mtDNA helicase; plus strand). Cytogenetic location: 10q24.31.
Variant type: single nucleotide variant.
Coding change: c.1092C>G on transcript NM_021830.5 (MANE Select); coding-DNA position 1092, C replaced by G.
Protein change: p.His364Gln; replaces histidine 364 with glutamine.
Molecular consequence: missense variant. On other transcripts: non-coding transcript variant (4), intron variant (3).
Genome position (GRCh38, 1-based): chr10:100,989,302, C>G. VCF-style: chr10-100989302-C-G. GRCh37 (hg19) VCF-style: chr10-102749059-C-G.
Other names: c.1092C>G, p.His364Gln (NM_001163812.2); c.-119-342C>G (NM_001163814.2, NM_001163813.2); c.-57-404C>G (NM_001368275.1); short protein forms H364Q.
Identifiers: ClinVar variation 1329662 (VCV001329662.2), dbSNP rs2133938256, ClinGen allele CA378209827.

ClinVar aggregate classification (germline): Uncertain significance (1 of 4 stars; one submission).

Submission:

GeneDx
Classification: Uncertain significance. Last evaluated: 2021-06-23. Review status: criteria provided, single submitter. Criteria: GeneDx Variant Classification Process June 2021. Collection method: clinical testing. Allele origin: germline. Affected: yes.
Comment: Not observed at significant frequency in large population cohorts (Lek et al., 2016); In silico analysis supports that this missense variant has a deleterious effect on protein structure/function; Has not been previously published as pathogenic or benign to our knowledge; This variant is associated with the following publications: (PMID: 27535533)